The following is an entry in ClinVar:

NM_015662.3(IFT172):c.1413G>A (p.Val471=)

Gene: IFT172 (intraflagellar transport 172; minus strand). Cytogenetic location: 2p23.3.
Variant type: single nucleotide variant.
Coding change: c.1413G>A on transcript NM_015662.3 (MANE Select); coding-DNA position 1413, G replaced by A.
Protein change: p.Val471=; no amino-acid change (valine 471 retained).
Molecular consequence: synonymous variant.
Genome position (GRCh38, 1-based): chr2:27,472,361, C>T on the plus strand (G>A on the coding strand, the complement: IFT172 is on the minus strand). VCF-style: chr2-27472361-C-T. GRCh37 (hg19) VCF-style: chr2-27695228-C-T.
Identifiers: ClinVar variation 1470319 (VCV001470319.7), dbSNP rs2148531759, ClinGen allele CA425411244.

ClinVar aggregate classification (germline): Uncertain significance (1 of 4 stars; one submission).

Conditions:
Short-rib thoracic dysplasia 10 with or without polydactyly (SRTD10). Identifiers: Orphanet 474, MedGen C3810175, MONDO:0014284, OMIM 615630.
Retinitis pigmentosa 71 (RP71). Identifiers: Orphanet 791, MedGen C4225342, MONDO:0014618, OMIM 616394.

Submission:

Labcorp Genetics (formerly Invitae), Labcorp
Classification: Uncertain significance for Retinitis pigmentosa 71; Short-rib thoracic dysplasia 10 with or without polydactyly. Last evaluated: 2021-04-24. Review status: criteria provided, single submitter. Criteria: Invitae Variant Classification Sherloc (09022015). Collection method: clinical testing. Allele origin: germline.
Comment: This sequence change affects codon 471 of the IFT172 mRNA. It is a 'silent' change, meaning that it does not change the encoded amino acid sequence of the IFT172 protein. In summary, the available evidence is currently insufficient to determine the role of this variant in disease. Therefore, it has been classified as a Variant of Uncertain Significance. Algorithms developed to predict the effect of sequence changes on RNA splicing suggest that this variant may create or strengthen a splice site, but this prediction has not been confirmed by published transcriptional studies. This variant has not been reported in the literature in individuals with IFT172-related conditions. This variant is not present in population databases (ExAC no frequency).